The following is an entry in ClinVar:

ClinVar aggregate classification (germline): Pathogenic (1 of 4 stars; one submission).

Conditions:
X-linked myopathy with postural muscle atrophy. Also called: FHL1-Related Emery-Dreifuss Muscular Dystrophy, X-Linked. Identifiers: Orphanet 178461, MedGen C2678055, MONDO:0010401, OMIM 300696.

Submission:

Labcorp Genetics (formerly Invitae), Labcorp
Classification: Pathogenic for X-linked myopathy with postural muscle atrophy. Last evaluated: 2023-10-22. Review status: criteria provided, single submitter. Criteria: Invitae Variant Classification Sherloc (09022015). Collection method: clinical testing. Allele origin: germline.
Comment: This sequence change results in a frameshift in the FHL1 gene (p.His251Glnfs*33). While this is not anticipated to result in nonsense mediated decay, it is expected to disrupt the last 30 amino acid(s) of the FHL1 protein and extend the protein by 2 additional amino acid residues. Information on the frequency of this variant in the gnomAD database is not available, as this variant may be reported differently in the database. This variant has not been reported in the literature in individuals affected with FHL1-related conditions. This variant disrupts a region of the FHL1 protein in which other variant(s) (p.Cys276Tyr) have been determined to be pathogenic (PMID: 19716112). This suggests that this is a clinically significant region of the protein, and that variants that disrupt it are likely to be disease-causing. For these reasons, this variant has been classified as Pathogenic.

Literature cited by the submitters: PubMed 19716112.

NM_001159699.2(FHL1):c.801delinsAA (p.His267fs)

Gene: FHL1 (four and a half LIM domains 1; plus strand). Cytogenetic location: Xq26.3.
Variant type: Indel.
Coding change: c.801delinsAA on transcript NM_001159699.2 (MANE Select); coding-DNA position 801, C replaced by AA.
Protein change: p.His267fs; shifts the reading frame from histidine 267.
Molecular consequence: frameshift variant. On other transcripts: non-coding transcript variant (1).
Genome position (GRCh38, 1-based): chrX:136,209,935, C replaced by AA. VCF-style: chrX-136209935-C-AA. GRCh37 (hg19) VCF-style: chrX-135292094-C-AA.
Other names: c.753delinsAA, p.His251fs (NM_001159700.2, NM_001159704.1, NM_001167819.1 and 4 more transcripts); c.840delinsAA, p.His280fs (NM_001159701.2); c.953delinsAA, p.Thr318fs (NM_001159702.3, NM_001369326.1, NM_001369327.2 and 1 more transcripts); c.566delinsAA, p.Thr189fs (NM_001159703.2); c.614delinsAA, p.Thr205fs (NM_001330659.2); short protein forms H280fs, T318fs, H251fs, H267fs, T189fs, T205fs.
Identifiers: ClinVar variation 1958260 (VCV001958260.5), dbSNP rs2521335635, ClinGen allele CA2580101596.